The following is an entry in ClinVar:

ClinVar aggregate classification (germline): Uncertain significance (1 of 4 stars; one submission).

Submission:

Labcorp Genetics (formerly Invitae), Labcorp
Classification: Uncertain significance. Last evaluated: 2022-10-29. Review status: criteria provided, single submitter. Criteria: Invitae Variant Classification Sherloc (09022015). Collection method: clinical testing. Allele origin: germline.
Comment: This variant has not been reported in the literature in individuals affected with SPTB-related conditions. This variant is not present in population databases (gnomAD no frequency). This sequence change replaces histidine, which is basic and polar, with glutamine, which is neutral and polar, at codon 1655 of the SPTB protein (p.His1655Gln). Algorithms developed to predict the effect of missense changes on protein structure and function are either unavailable or do not agree on the potential impact of this missense change (SIFT: "Tolerated"; PolyPhen-2: "Probably Damaging"; Align-GVGD: "Class C0"). In summary, the available evidence is currently insufficient to determine the role of this variant in disease. Therefore, it has been classified as a Variant of Uncertain Significance.

NM_001355436.2(SPTB):c.4965C>A (p.His1655Gln)

Gene: SPTB (spectrin beta, erythrocytic; minus strand). Cytogenetic location: 14q23.3.
Variant type: single nucleotide variant.
Coding change: c.4965C>A on transcript NM_001355436.2 (MANE Select); coding-DNA position 4965, C replaced by A.
Protein change: p.His1655Gln; replaces histidine 1655 with glutamine.
Molecular consequence: missense variant.
Genome position (GRCh38, 1-based): chr14:64,774,405, G>T on the plus strand (C>A on the coding strand, the complement: SPTB is on the minus strand). VCF-style: chr14-64774405-G-T. GRCh37 (hg19) VCF-style: chr14-65241123-G-T.
Other names: c.4965C>A, p.His1655Gln (NM_001024858.4, NM_001355437.2); short protein forms H1655Q.
Identifiers: ClinVar variation 2810622 (VCV002810622.3), dbSNP rs2503065537, ClinGen allele CA390042924.